The following is an entry in ClinVar:

NM_020693.4(DSCAML1):c.1373A>G (p.Gln458Arg)

Gene: DSCAML1 (DS cell adhesion molecule like 1; minus strand). Cytogenetic location: 11q23.3.
Variant type: single nucleotide variant.
Coding change: c.1373A>G on transcript NM_020693.4 (MANE Select); coding-DNA position 1373, A replaced by G.
Protein change: p.Gln458Arg; replaces glutamine 458 with arginine.
Molecular consequence: missense variant.
Genome position (GRCh38, 1-based): chr11:117,518,603, T>C on the plus strand (A>G on the coding strand, the complement: DSCAML1 is on the minus strand). VCF-style: chr11-117518603-T-C. GRCh37 (hg19) VCF-style: chr11-117389318-T-C.
Other names: c.1373A>G, p.Gln458Arg (NM_001367904.1); c.965A>G, p.Gln322Arg (NM_001367905.1); short protein forms Q322R, Q458R.
Identifiers: ClinVar variation 2719053 (VCV002719053.3), dbSNP rs2049823963, ClinGen allele CA382745710.

ClinVar aggregate classification (germline): Uncertain significance (1 of 4 stars; one submission).

Submission:

Labcorp Genetics (formerly Invitae), Labcorp
Classification: Uncertain significance. Last evaluated: 2023-06-18. Review status: criteria provided, single submitter. Criteria: Invitae Variant Classification Sherloc (09022015). Collection method: clinical testing. Allele origin: germline.
Comment: This sequence change replaces glutamine, which is neutral and polar, with arginine, which is basic and polar, at codon 518 of the DSCAML1 protein (p.Gln518Arg). In summary, the available evidence is currently insufficient to determine the role of this variant in disease. Therefore, it has been classified as a Variant of Uncertain Significance. An algorithm developed to predict the effect of missense changes on protein structure and function (PolyPhen-2) suggests that this variant is likely to be tolerated. This variant has not been reported in the literature in individuals affected with DSCAML1-related conditions. This variant is not present in population databases (gnomAD no frequency).